The following is an entry in ClinVar:

ClinVar aggregate classification (germline): Uncertain significance (1 of 4 stars; one submission).

Allele frequency attached by ClinVar (database versions not stated): ExAC 0.00001.
gnomAD v4.1: 2 of 1,610,468 alleles (0.00012%); highest among the groups gnomAD compares: Admixed American, 0.0033%; no homozygotes.

Submission:

Labcorp Genetics (formerly Invitae), Labcorp
Classification: Uncertain significance. Last evaluated: 2022-04-17. Review status: criteria provided, single submitter. Criteria: Invitae Variant Classification Sherloc (09022015). Collection method: clinical testing. Allele origin: germline.
Comment: This sequence change replaces aspartic acid, which is acidic and polar, with asparagine, which is neutral and polar, at codon 1245 of the ASPM protein (p.Asp1245Asn). This variant is present in population databases (rs779651250, gnomAD 0.006%). This variant has not been reported in the literature in individuals affected with ASPM-related conditions. Algorithms developed to predict the effect of missense changes on protein structure and function are either unavailable or do not agree on the potential impact of this missense change (SIFT: "Tolerated"; PolyPhen-2: "Probably Damaging"; Align-GVGD: "Class C0"). In summary, the available evidence is currently insufficient to determine the role of this variant in disease. Therefore, it has been classified as a Variant of Uncertain Significance.

NM_018136.5(ASPM):c.3733G>A (p.Asp1245Asn)

Gene: ASPM (assembly factor for spindle microtubules; minus strand). Cytogenetic location: 1q31.3.
Variant type: single nucleotide variant.
Coding change: c.3733G>A on transcript NM_018136.5 (MANE Select); coding-DNA position 3733, G replaced by A.
Protein change: p.Asp1245Asn; replaces aspartic acid 1245 with asparagine.
Molecular consequence: missense variant.
Genome position (GRCh38, 1-based): chr1:197,122,167, C>T on the plus strand (G>A on the coding strand, the complement: ASPM is on the minus strand). VCF-style: chr1-197122167-C-T. GRCh37 (hg19) VCF-style: chr1-197091297-C-T.
Other names: c.3733G>A, p.Asp1245Asn (NM_001206846.2); short protein forms D1245N.
Identifiers: ClinVar variation 1899437 (VCV001899437.5), dbSNP rs779651250, ClinGen allele CA1310102.